The following is an entry in ClinVar:

ClinVar aggregate classification (germline): Uncertain significance (1 of 4 stars; one submission).

Submission:

Labcorp Genetics (formerly Invitae), Labcorp
Classification: Uncertain significance. Last evaluated: 2022-05-03. Review status: criteria provided, single submitter. Criteria: Invitae Variant Classification Sherloc (09022015). Collection method: clinical testing. Allele origin: germline.
Comment: In summary, the available evidence is currently insufficient to determine the role of this variant in disease. Therefore, it has been classified as a Variant of Uncertain Significance. Algorithms developed to predict the effect of missense changes on protein structure and function are either unavailable or do not agree on the potential impact of this missense change (SIFT: "Deleterious"; PolyPhen-2: "Probably Damaging"; Align-GVGD: "Class C15"). This variant has not been reported in the literature in individuals affected with ESCO2-related conditions. This variant is not present in population databases (gnomAD no frequency). This sequence change replaces valine, which is neutral and non-polar, with aspartic acid, which is acidic and polar, at codon 489 of the ESCO2 protein (p.Val489Asp).

NM_001017420.3(ESCO2):c.1466T>A (p.Val489Asp)

Gene: ESCO2 (establishment of sister chromatid cohesion N-acetyltransferase 2; plus strand). Cytogenetic location: 8p21.1.
Variant type: single nucleotide variant.
Coding change: c.1466T>A on transcript NM_001017420.3 (MANE Select); coding-DNA position 1466, T replaced by A.
Protein change: p.Val489Asp; replaces valine 489 with aspartic acid.
Molecular consequence: missense variant.
Genome position (GRCh38, 1-based): chr8:27,792,780, T>A. VCF-style: chr8-27792780-T-A. GRCh37 (hg19) VCF-style: chr8-27650297-T-A.
Other names: short protein forms V489D.
Identifiers: ClinVar variation 2132792 (VCV002132792.4), dbSNP rs1341929130, ClinGen allele CA370825746.